The following is an entry in ClinVar:

ClinVar aggregate classification (germline): Likely benign (1 of 4 stars; one submission).

Submission:

GeneDx
Classification: Likely benign. Last evaluated: 2017-12-06. Review status: criteria provided, single submitter. Criteria: GeneDx Variant Classification (06012015). Collection method: clinical testing. Allele origin: germline. Affected: yes.
Comment: This variant is considered likely benign or benign based on one or more of the following criteria: it is a conservative change, it occurs at a poorly conserved position in the protein, it is predicted to be benign by multiple in silico algorithms, and/or has population frequency not consistent with disease.

NM_004700.4(KCNQ4):c.149G>A (p.Ser50Asn)

Gene: KCNQ4 (potassium voltage-gated channel subfamily Q member 4; plus strand). Cytogenetic location: 1p34.2.
Variant type: single nucleotide variant.
Coding change: c.149G>A on transcript NM_004700.4 (MANE Select); coding-DNA position 149, G replaced by A.
Protein change: p.Ser50Asn; replaces serine 50 with asparagine.
Molecular consequence: missense variant.
Genome position (GRCh38, 1-based): chr1:40,784,242, G>A. VCF-style: chr1-40784242-G-A. GRCh37 (hg19) VCF-style: chr1-41249914-G-A.
Other names: c.149G>A, p.Ser50Asn (NM_172163.3); short protein forms S50N.
Identifiers: ClinVar variation 513457 (VCV000513457.1), dbSNP rs1553165192, ClinGen allele CA339885156.